The following is an entry in ClinVar:

ClinVar aggregate classification (germline): Conflicting classifications of pathogenicity. Review status: criteria provided, conflicting classifications (1 of 4 stars). 5 submissions from 5 submitters: Uncertain significance (4); Likely benign (1). Last evaluated 2025-12-09.

Conditions:
RASopathy. Also called: rasopathies; Noonan spectrum disorder. Identifiers: Orphanet 536391, MedGen C5555857, MONDO:0021060.
Noonan syndrome and Noonan-related syndrome. Identifiers: Orphanet 98733, MedGen C5681679, MONDO:0020297.
Cardiofaciocutaneous syndrome 4 (CFC4). Also called: MAP2K2-Related Cardiofaciocutaneous Syndrome. Identifiers: Orphanet 1340, MedGen C3809007, MONDO:0014114, OMIM 615280.

Allele frequency attached by ClinVar (database versions not stated): gnomAD 0.00001; TOPMed 0.00001.
gnomAD v4.1: 8 of 1,562,860 alleles (0.00051%); highest among the groups gnomAD compares: East Asian, 0.0023%; no homozygotes.

Submissions (5):

Labcorp Genetics (formerly Invitae), Labcorp
Classification: Uncertain significance for RASopathy. Last evaluated: 2025-12-09. Review status: criteria provided, single submitter. Criteria: Invitae Variant Classification Sherloc (09022015). Collection method: clinical testing. Allele origin: germline.
Comment: This sequence change affects codon 364 of the MAP2K2 mRNA. It is a 'silent' change, meaning that it does not change the encoded amino acid sequence of the MAP2K2 protein. It affects a nucleotide within the consensus splice site. This variant is not present in population databases (gnomAD no frequency). This variant has not been reported in the literature in individuals affected with MAP2K2-related conditions. ClinVar contains an entry for this variant (Variation ID: 632883). Algorithms developed to predict the effect of sequence changes on RNA splicing suggest that this variant is not likely to affect RNA splicing. In summary, the available evidence is currently insufficient to determine the role of this variant in disease. Therefore, it has been classified as a Variant of Uncertain Significance.

Fulgent Genetics
Classification: Uncertain significance for Cardiofaciocutaneous syndrome 4. Last evaluated: 2024-03-09. Review status: criteria provided, single submitter. Criteria: ACMG Guidelines, 2015. Collection method: clinical testing. Allele origin: germline.

Blueprint Genetics
Classification: Likely benign. Last evaluated: 2023-01-03. Review status: criteria provided, single submitter. Criteria: ACMG Guidelines, 2015. Collection method: clinical testing. Allele origin: germline.

Genome Diagnostics Laboratory, The Hospital for Sick Children
Classification: Uncertain significance for Noonan syndrome and Noonan-related syndrome. Last evaluated: 2020-11-19. Review status: criteria provided, single submitter. Criteria: ACMG Guidelines, 2015. Collection method: clinical testing. Allele origin: germline.

Women's Health and Genetics/Laboratory Corporation of America, LabCorp
Classification: Uncertain significance. Last evaluated: 2018-09-10. Review status: criteria provided, single submitter. Criteria: LabCorp Variant Classification Summary - May 2015. Collection method: clinical testing. Allele origin: germline.
Comment: Variant summary: MAP2K2 c.1092A>C (p.Thr364Thr) alters a conserved nucleotide located close to a canonical splice site (i.e. the last nucleotide of exon 10) and therefore could affect mRNA splicing, leading to a significantly altered protein sequence. 4/4 computational tools predict no significant impact on normal splicing. However, these predictions have yet to be confirmed by functional studies. The variant was absent in 167084 control chromosomes (gnomAD). The available data on variant occurrences in the general population are insufficient to allow any conclusion about variant significance. To our knowledge, no occurrence of c.1092A>C in individuals affected with Noonan Syndrome and Related Conditions and no experimental evidence demonstrating its impact on protein function have been reported. No clinical diagnostic laboratories have submitted clinical-significance assessments for this variant to ClinVar after 2014. Based on the evidence outlined above, the variant was classified as uncertain significance.

NM_030662.4(MAP2K2):c.1092A>C (p.Thr364=)

Gene: MAP2K2 (mitogen-activated protein kinase kinase 2; minus strand). Cytogenetic location: 19p13.3.
Variant type: single nucleotide variant.
Coding change: c.1092A>C on transcript NM_030662.4 (MANE Select); coding-DNA position 1092, A replaced by C.
Protein change: p.Thr364=; no amino-acid change (threonine 364 retained).
Molecular consequence: synonymous variant.
Genome position (GRCh38, 1-based): chr19:4,094,453, T>G on the plus strand (A>C on the coding strand, the complement: MAP2K2 is on the minus strand). VCF-style: chr19-4094453-T-G. GRCh37 (hg19) VCF-style: chr19-4094451-T-G.
Identifiers: ClinVar variation 632883 (VCV000632883.14), dbSNP rs779378237, ClinGen allele CA504984431.